The following is an entry in ClinVar:

NM_170606.3(KMT2C):c.1091A>C (p.Gln364Pro)

Genes: KMT2C (lysine methyltransferase 2C; minus strand), LOC123956272 (Sharpr-MPRA regulatory region 15588; plus strand). Cytogenetic location: 7q36.1.
Variant type: single nucleotide variant.
Coding change: c.1091A>C on transcript NM_170606.3 (MANE Select); coding-DNA position 1091, A replaced by C.
Protein change: p.Gln364Pro; replaces glutamine 364 with proline.
Molecular consequence: missense variant.
Genome position (GRCh38, 1-based): chr7:152,265,131, T>G on the plus strand (A>C on the coding strand, the complement: KMT2C is on the minus strand). VCF-style: chr7-152265131-T-G. GRCh37 (hg19) VCF-style: chr7-151962216-T-G.
Other names: short protein forms Q364P.
Identifiers: ClinVar variation 4530017 (VCV004530017.1).

ClinVar aggregate classification (germline): Uncertain significance (1 of 4 stars; one submission).

Submission:

GeneDx
Classification: Uncertain significance. Last evaluated: 2025-05-14. Review status: criteria provided, single submitter. Criteria: GeneDx Variant Classification Process June 2021. Collection method: clinical testing. Allele origin: germline. Affected: yes.
Comment: Not observed at significant frequency in large population cohorts (gnomAD); In silico analysis supports that this missense variant has a deleterious effect on protein structure/function; Has not been previously published as pathogenic or benign to our knowledge